The following is an entry in ClinVar:

NM_004104.5(FASN):c.7408G>C (p.Gly2470Arg)

Gene: FASN (fatty acid synthase; minus strand). Cytogenetic location: 17q25.3.
Variant type: single nucleotide variant.
Coding change: c.7408G>C on transcript NM_004104.5 (MANE Select); coding-DNA position 7408, G replaced by C.
Protein change: p.Gly2470Arg; replaces glycine 2470 with arginine.
Molecular consequence: missense variant.
Genome position (GRCh38, 1-based): chr17:82,079,271, C>G on the plus strand (G>C on the coding strand, the complement: FASN is on the minus strand). VCF-style: chr17-82079271-C-G. GRCh37 (hg19) VCF-style: chr17-80037147-C-G.
Other names: short protein forms G2470R.
Identifiers: ClinVar variation 1376571 (VCV001376571.6), dbSNP rs1184058748, ClinGen allele CA401594494.

ClinVar aggregate classification (germline): Uncertain significance (1 of 4 stars; one submission).

Conditions:
Epileptic encephalopathy. Identifiers: MedGen C0543888, HP:0200134.

Submission:

Labcorp Genetics (formerly Invitae), Labcorp
Classification: Uncertain significance for Epileptic encephalopathy. Last evaluated: 2021-08-20. Review status: criteria provided, single submitter. Criteria: Invitae Variant Classification Sherloc (09022015). Collection method: clinical testing. Allele origin: germline.
Comment: This sequence change replaces glycine with arginine at codon 2470 of the FASN protein (p.Gly2470Arg). The glycine residue is highly conserved and there is a moderate physicochemical difference between glycine and arginine. This variant is not present in population databases (ExAC no frequency). This variant has not been reported in the literature in individuals affected with FASN-related conditions. Algorithms developed to predict the effect of missense changes on protein structure and function are either unavailable or do not agree on the potential impact of this missense change (SIFT: "Deleterious"; PolyPhen-2: "Probably Damaging"; Align-GVGD: "Class C0"). In summary, the available evidence is currently insufficient to determine the role of this variant in disease. Therefore, it has been classified as a Variant of Uncertain Significance.